The following is an entry in ClinVar:

ClinVar aggregate classification (germline): Likely benign. Review status: criteria provided, multiple submitters, no conflicts (2 of 4 stars). 5 submissions from 5 submitters: Likely benign (4). 1 of the submissions does not count toward it. Last evaluated 2025-10-31.

Conditions:
LAMA5-related disorder. Also called: LAMA5-related condition; LAMA5-Related Disorders.

Allele frequency attached by ClinVar (database versions not stated): 1000 Genomes Project 0.00060; 1000 Genomes Project 30x 0.00062; TOPMed 0.00081; ESP Exome Variant Server 0.00108; gnomAD 0.00108 and 0.00111; gnomAD exomes 0.00147; ExAC 0.00181.
gnomAD v4.1: 3,031 of 1,612,502 alleles (0.19%); highest among the groups gnomAD compares: Non-Finnish European, 0.23%; 8 homozygotes.

Submissions (5):

Labcorp Genetics (formerly Invitae), Labcorp
Classification: Likely benign. Last evaluated: 2025-10-31. Review status: criteria provided, single submitter. Criteria: Invitae Variant Classification Sherloc (09022015). Collection method: clinical testing. Allele origin: germline.

Blueprint Genetics
Classification: Likely benign. Last evaluated: 2024-11-21. Review status: criteria provided, single submitter. Criteria: ACMG Guidelines, 2015. Collection method: clinical testing. Allele origin: germline.

CeGaT Center for Human Genetics Tuebingen
Classification: Likely benign. Last evaluated: 2024-11-01. Review status: criteria provided, single submitter. Criteria: CeGaT Center For Human Genetics Tuebingen Variant Classification Criteria Version 2. Collection method: clinical testing. Allele origin: germline. Affected: yes. Observed: 2 variant alleles.
Comment: LAMA5: BS2

Breakthrough Genomics
Classification: Likely benign. Review status: criteria provided, single submitter. Criteria: ACMG Guidelines, 2015. Collection method: not provided. Allele origin: germline. Inheritance: Autosomal recessive inheritance. Affected: yes.

PreventionGenetics, part of Exact Sciences
Classification: Likely benign for LAMA5-related condition. Last evaluated: 2022-05-25. Review status: no assertion criteria provided. Collection method: clinical testing. Allele origin: germline. Not counted in ClinVar's aggregate classification.
Comment: This variant is classified as likely benign based on ACMG/AMP sequence variant interpretation guidelines (Richards et al. 2015 PMID: 25741868, with internal and published modifications).

NM_005560.6(LAMA5):c.2285T>G (p.Phe762Cys)

Gene: LAMA5 (laminin subunit alpha 5; minus strand). Cytogenetic location: 20q13.33.
Variant type: single nucleotide variant.
Coding change: c.2285T>G on transcript NM_005560.6 (MANE Select); coding-DNA position 2285, T replaced by G.
Protein change: p.Phe762Cys; replaces phenylalanine 762 with cysteine.
Molecular consequence: missense variant.
Genome position (GRCh38, 1-based): chr20:62,336,378, A>C on the plus strand (T>G on the coding strand, the complement: LAMA5 is on the minus strand). VCF-style: chr20-62336378-A-C. GRCh37 (hg19) VCF-style: chr20-60911434-A-C.
Other names: short protein forms F762C.
Identifiers: ClinVar variation 734079 (VCV000734079.31), dbSNP rs148515817, ClinGen allele CA9943517.
Genomic context (GRCh38, chr20:62,336,378, plus strand): 5'-CAATACTCCAGGGCACACTCACGGGTACAGCCCTCGGGGTTGCTGGGGCTCAGTCCCCAG[A>C]ACCCAGGTTTGCAGCGGTCACAGCTCGGCCCCTCCACGTGAGCCCGGCACATACAGGGAA-3'
Protein context (NP_005551.3, residues 752-772): GPSCDRCKPG[Phe762Cys]WGLSPSNPEG